The following is an entry in ClinVar:

ClinVar aggregate classification (germline): Uncertain significance (1 of 4 stars; one submission).

Allele frequency attached by ClinVar (database versions not stated): gnomAD exomes 0.00001; ExAC 0.00002.
gnomAD v4.1: 7 of 1,543,252 alleles (0.00045%); highest among the groups gnomAD compares: East Asian, 0.0052%; no homozygotes.

Submission:

Labcorp Genetics (formerly Invitae), Labcorp
Classification: Uncertain significance. Last evaluated: 2024-05-06. Review status: criteria provided, single submitter. Criteria: Invitae Variant Classification Sherloc (09022015). Collection method: clinical testing. Allele origin: germline.
Comment: This sequence change replaces glycine, which is neutral and non-polar, with arginine, which is basic and polar, at codon 691 of the VAV1 protein (p.Gly691Arg). This variant is present in population databases (rs759398960, gnomAD 0.02%). This variant has not been reported in the literature in individuals affected with VAV1-related conditions. ClinVar contains an entry for this variant (Variation ID: 1493575). An algorithm developed to predict the effect of missense changes on protein structure and function (PolyPhen-2) suggests that this variant is likely to be disruptive. In summary, the available evidence is currently insufficient to determine the role of this variant in disease. Therefore, it has been classified as a Variant of Uncertain Significance.

NM_005428.4(VAV1):c.2071G>A (p.Gly691Arg)

Gene: VAV1 (vav guanine nucleotide exchange factor 1; plus strand). Cytogenetic location: 19p13.3.
Variant type: single nucleotide variant.
Coding change: c.2071G>A on transcript NM_005428.4 (MANE Select); coding-DNA position 2071, G replaced by A.
Protein change: p.Gly691Arg; replaces glycine 691 with arginine.
Molecular consequence: missense variant.
Genome position (GRCh38, 1-based): chr19:6,848,056, G>A. VCF-style: chr19-6848056-G-A. GRCh37 (hg19) VCF-style: chr19-6848067-G-A.
Other names: c.2005G>A, p.Gly669Arg (NM_001258206.2); c.1975G>A, p.Gly659Arg (NM_001258207.2); short protein forms G669R, G659R, G691R.
Identifiers: ClinVar variation 1493575 (VCV001493575.6), dbSNP rs759398960, ClinGen allele CA9132840.